The following is an entry in ClinVar:

NM_015102.5(NPHP4):c.1973G>A (p.Arg658Gln)

Gene: NPHP4 (nephrocystin 4; minus strand). Cytogenetic location: 1p36.31.
Variant type: single nucleotide variant.
Coding change: c.1973G>A on transcript NM_015102.5 (MANE Select); coding-DNA position 1973, G replaced by A.
Protein change: p.Arg658Gln; replaces arginine 658 with glutamine.
Molecular consequence: missense variant. On other transcripts: non-coding transcript variant (1).
Genome position (GRCh38, 1-based): chr1:5,904,787, C>T on the plus strand (G>A on the coding strand, the complement: NPHP4 is on the minus strand). VCF-style: chr1-5904787-C-T. GRCh37 (hg19) VCF-style: chr1-5964847-C-T.
Other names: c.1973G>A (NM_015102.3); c.434G>A, p.Arg145Gln (NM_001291593.2); c.437G>A, p.Arg146Gln (NM_001291594.2); short protein forms R145Q, R146Q, R658Q.
Identifiers: ClinVar variation 1337540 (VCV001337540.8), dbSNP rs767073232, ClinGen allele CA554311.
Genomic context (GRCh38, chr1:5,904,787, plus strand): 5'-GCGGGTGGGAAGCGGTAGAACTGGAAGGTGAAATACACAGTCTTTGGCCATGATGTTCCT[C>T]GGCAGTCCTGGGCCACTCTGAATCCAACAACAGCTCTGGGTTAACTGAGTATCCATGGCA-3'
Protein context (NP_055917.1, residues 648-668): LAFSRVAQDC[Arg658Gln]GTSWPKTVYF

ClinVar aggregate classification (germline): Conflicting classifications of pathogenicity. Review status: criteria provided, conflicting classifications (1 of 4 stars). 5 submissions from 5 submitters: Uncertain significance (4); Likely benign (1). Last evaluated 2025-01-23.

Conditions:
Inborn genetic diseases. Identifiers: MedGen C0950123, MeSH D030342.
Nephronophthisis. Also called: Juvenile Nephronophthisis. Identifiers: Orphanet 655, MedGen C0687120, MONDO:0019005, HP:0000090.

Allele frequency attached by ClinVar (database versions not stated): gnomAD exomes 0.00002 and 0.00004; TOPMed 0.00002; ExAC 0.00003.
gnomAD v4.1: 12 of 1,613,956 alleles (0.00074%); highest among the groups gnomAD compares: Admixed American, 0.0083%; no homozygotes.

Submissions (5):

Ambry Genetics
Classification: Likely benign for Inborn genetic diseases. Last evaluated: 2025-01-23. Review status: criteria provided, single submitter. Criteria: Ambry Variant Classification Scheme 2023. Collection method: clinical testing. Allele origin: germline.

Blueprint Genetics
Classification: Uncertain significance. Last evaluated: 2024-09-09. Review status: criteria provided, single submitter. Criteria: ACMG Guidelines, 2015. Collection method: clinical testing. Allele origin: germline.

GeneDx
Classification: Uncertain significance. Last evaluated: 2024-05-29. Review status: criteria provided, single submitter. Criteria: GeneDx Variant Classification Process June 2021. Collection method: clinical testing. Allele origin: germline. Affected: yes.
Comment: In silico analysis indicates that this missense variant does not alter protein structure/function; Has not been previously published as pathogenic or benign to our knowledge

Labcorp Genetics (formerly Invitae), Labcorp
Classification: Uncertain significance for Nephronophthisis. Last evaluated: 2022-08-22. Review status: criteria provided, single submitter. Criteria: Invitae Variant Classification Sherloc (09022015). Collection method: clinical testing. Allele origin: germline.
Comment: This sequence change replaces arginine, which is basic and polar, with glutamine, which is neutral and polar, at codon 658 of the NPHP4 protein (p.Arg658Gln). This variant is present in population databases (rs767073232, gnomAD 0.01%). This variant has not been reported in the literature in individuals affected with NPHP4-related conditions. ClinVar contains an entry for this variant (Variation ID: 1337540). Algorithms developed to predict the effect of missense changes on protein structure and function output the following: SIFT: "Tolerated"; PolyPhen-2: "Benign"; Align-GVGD: "Class C0". The glutamine amino acid residue is found in multiple mammalian species, which suggests that this missense change does not adversely affect protein function. In summary, the available evidence is currently insufficient to determine the role of this variant in disease. Therefore, it has been classified as a Variant of Uncertain Significance.

Genetic Services Laboratory, University of Chicago
Classification: Uncertain significance. Last evaluated: 2020-02-24. Review status: criteria provided, single submitter. Criteria: ACMG Guidelines, 2015. Collection method: clinical testing. Allele origin: germline. Affected: no.
Comment: DNA sequence analysis of the NPHP4 gene demonstrated a sequence change, c.1973G>A, in exon 16 that results in an amino acid change, p.Arg658Gln. This sequence change does not appear to have been previously described in patients with NPHP4-related disorders and has been described in the gnomAD database with a low overall population frequency of 0.0036% (dbSNP rs767073232). The p.Arg658Gln change affects a poorly conserved amino acid residue located in a domain of the NPHP4 protein that is not known to be functional. The p.Arg658Gln substitution appears to be benign using several in-silico pathogenicity prediction tools (SIFT, PolyPhen2, Align GVGD, REVEL). Due to these contrasting evidences and the lack of functional studies, the clinical significance of the p.Arg658Gln change remains unknown at this time.